The following is an entry in ClinVar:

ClinVar aggregate classification (germline): Pathogenic/Likely pathogenic. Review status: criteria provided, multiple submitters, no conflicts (2 of 4 stars). 2 submissions from 2 submitters: Pathogenic (1); Likely pathogenic (1). Last evaluated 2023-12-05.

Conditions:
Pulmonary hypertension, neonatal, susceptibility to (PHN). Identifiers: MedGen C3714958, MONDO:0014151, OMIM 615371.
Congenital hyperammonemia, type I. Also called: CPS I DEFICIENCY; Carbamoyl phosphate synthetase I deficiency disease; Carbamoyl phosphate synthetase 1 deficiency; Hyperammonemia due to carbamoyl phosphate synthetase 1 deficiency; CPS 1 deficiency; Carbamyl phosphate synthetase (CPS) deficiency. Identifiers: Orphanet 147, MedGen C4082171, MONDO:0009376, OMIM 237300.

Submissions (2):

Baylor Genetics
Classification: Likely pathogenic for Pulmonary hypertension, neonatal, susceptibility to. Last evaluated: 2023-12-05. Review status: criteria provided, single submitter. Criteria: ACMG Guidelines, 2015. Collection method: clinical testing. Allele origin: unknown.

Labcorp Genetics (formerly Invitae), Labcorp
Classification: Pathogenic for Congenital hyperammonemia, type I. Last evaluated: 2023-03-18. Review status: criteria provided, single submitter. Criteria: Invitae Variant Classification Sherloc (09022015). Collection method: clinical testing. Allele origin: germline.
Comment: This sequence change creates a premature translational stop signal (p.Ala907Glufs*25) in the CPS1 gene. It is expected to result in an absent or disrupted protein product. Loss-of-function variants in CPS1 are known to be pathogenic (PMID: 21120950). This variant is not present in population databases (gnomAD no frequency). This variant has not been reported in the literature in individuals affected with CPS1-related conditions. For these reasons, this variant has been classified as Pathogenic.

Literature cited by the submitters: PubMed 21120950 (cited by Labcorp Genetics (formerly Invitae), Labcorp).

NM_001875.5(CPS1):c.2720del (p.Ala907fs)

Gene: CPS1 (carbamoyl-phosphate synthase 1; plus strand). Cytogenetic location: 2q34.
Variant type: Deletion.
Coding change: c.2720del on transcript NM_001875.5 (MANE Select); coding-DNA position 2720, one base deleted (C; older notation c.2720delC).
Protein change: p.Ala907fs; shifts the reading frame from alanine 907.
Molecular consequence: frameshift variant. On other transcripts: non-coding transcript variant (2).
Genome position (GRCh38, 1-based): chr2:210,637,734, C deleted. VCF-style (leftmost placement, unchanged base first): chr2-210637733-GC-G. GRCh37 (hg19) VCF-style: chr2-211502457-GC-G.
Other names: c.2720del, p.Ala907fs (NM_001122633.3, NM_001369257.1); c.2753del, p.Ala918fs (NM_001369256.1); short protein forms A918fs, A907fs.
Identifiers: ClinVar variation 3015220 (VCV003015220.4), dbSNP rs2469258592, ClinGen allele CA431006467.